The following is an entry in ClinVar:

ClinVar aggregate classification (germline): Uncertain significance (1 of 4 stars; one submission).

Submission:

Dasa
Classification: Uncertain significance. Last evaluated: 2026-04-13. Review status: criteria provided, single submitter. Criteria: DASA Assertion Criteria. Collection method: clinical testing. Allele origin: germline.
Comment: NM_003153.5(STAT6):c.269G>A (p.Arg90Lys) is a missense variant that results in the substitution of arginine with lysine. This variant is rare in population databases. Computational prediction algorithms are consistent with a benign effect. The currently available literature and clinical evidence are not sufficient to establish a definitive association between this variant and the reported condition. Therefore, this variant is classified as a variant of uncertain significance.

NM_003153.5(STAT6):c.269G>A (p.Arg90Lys)

Gene: STAT6 (signal transducer and activator of transcription 6; minus strand). Cytogenetic location: 12q13.3.
Variant type: single nucleotide variant.
Coding change: c.269G>A on transcript NM_003153.5 (MANE Select); coding-DNA position 269, G replaced by A.
Protein change: p.Arg90Lys; replaces arginine 90 with lysine.
Molecular consequence: missense variant. On other transcripts: 5 prime UTR variant (2), non-coding transcript variant (1).
Genome position (GRCh38, 1-based): chr12:57,107,301, C>T on the plus strand (G>A on the coding strand, the complement: STAT6 is on the minus strand). VCF-style: chr12-57107301-C-T. GRCh37 (hg19) VCF-style: chr12-57501084-C-T.
Other names: c.269G>A, p.Arg90Lys (NM_001178078.2, NM_001178079.2); c.-62G>A (NM_001178080.2, NM_001178081.2); short protein forms R90K.
Identifiers: ClinVar variation 4885759 (VCV004885759.2).
Genomic context (GRCh38, chr12:57,107,301, plus strand): 5'-ACAGCTTTTTTCTCTCCTTGAAGTATTTGTCTGAAAGTGGCCACCAGCTTCAGGGGGTCC[C>T]TCTGATATATGCTCTACAGAAATGAGGGTGGTAAACAGTGAGCTTTGCTCTTACCCATGT-3'
Protein context (NP_003144.3, residues 80-100): HISTLESIYQ[Arg90Lys]DPLKLVATFR